The following is an entry in ClinVar:

ClinVar aggregate classification (germline): Uncertain significance (1 of 4 stars; one submission).

Conditions:
Autosomal dominant nonsyndromic hearing loss 15 (DFNA15). Also called: DEAFNESS, AUTOSOMAL DOMINANT 52; Autosomal dominant nonsyndromic hearing loss 52. Identifiers: Orphanet 90635, MedGen C1865366, MONDO:0011226, OMIM 602459.

Allele frequency attached by ClinVar (database versions not stated): gnomAD 0.00001.
gnomAD v4.1: 1 of 1,611,288 alleles (0.000062%); highest among the groups gnomAD compares: Admixed American, 0.0017%; no homozygotes.

Submission:

Institute of Human Genetics, University of Goettingen
Classification: Uncertain significance for Autosomal dominant nonsyndromic hearing loss 15. Last evaluated: 2021-10-06. Review status: criteria provided, single submitter. Criteria: ACMG Guidelines, 2015. Collection method: clinical testing. Allele origin: unknown. Inheritance: Autosomal dominant inheritance. Observed: 1 heterozygote.
Comment: The variant c.373C>T (p.(Pro125Ser)) in exon 2 of the POU4F3-gene is not found in the gnomAD database, it affects a weakly conserved nucleotide, a moderately conserved amino acid and there is a moderate physicochemical difference between Pro and Ser. This variant has a benign computational verdict based on 11 benign predictions from BayesDel_addAF, DANN, DEOGEN2, EIGEN, FATHMM-MKL, LIST-S2, M-CAP, MVP, MutationAssessor, PrimateAI and SIFT vs 1 pathogenic prediction from MutationTaster. p.Pro125Ser is a missense mutation at an amino acid residue where one different missense change is determined to be likely pathogenic / pathogenic in ClinVar (p.Pro125Leu, ClinVar Variation ID: 562074). ACMG criteria used for classification: PM2, PM5, BP4.

NM_002700.3(POU4F3):c.373C>T (p.Pro125Ser)

Genes: RBM27-POU4F3 (RBM27-POU4F3 readthrough; plus strand), POU4F3 (POU class 4 homeobox 3; plus strand). Cytogenetic location: 5q32.
Variant type: single nucleotide variant.
Coding change: c.373C>T on transcript NM_002700.3 (MANE Select); coding-DNA position 373, C replaced by T.
Protein change: p.Pro125Ser; replaces proline 125 with serine.
Molecular consequence: missense variant.
Genome position (GRCh38, 1-based): chr5:146,339,800, C>T. VCF-style: chr5-146339800-C-T. GRCh37 (hg19) VCF-style: chr5-145719363-C-T.
Other names: short protein forms P125S.
Identifiers: ClinVar variation 1299383 (VCV001299383.3), dbSNP rs1760423963, ClinGen allele CA361620572.
Genomic context (GRCh38, chr5:146,339,800, plus strand): 5'-TCACACCCTCACCACGCCGTGCACCAGGGCCTCGAAGGCGACCTGCTGGAGCACATCTCG[C>T]CCACGCTGAGTGTGAGCGGCCTGGGCGCTCCGGAACACTCGGTGATGCCCGCACAGATCC-3'
Protein context (NP_002691.1, residues 115-135): LEGDLLEHIS[Pro125Ser]TLSVSGLGAP